The following is an entry in ClinVar:

ClinVar aggregate classification (germline): Uncertain significance (1 of 4 stars; one submission).

Conditions:
Hereditary sensory and autonomic neuropathy type 6. Also called: HSAN VI; Neuropathy, hereditary sensory and autonomic, type VI. Identifiers: Orphanet 314381, MedGen C3539003, MONDO:0013839, OMIM 614653.
Epidermolysis bullosa simplex 3, localized or generalized intermediate, with BP230 deficiency (EBS3). Also called: Epidermolysis bullosa simplex due to BP230 deficiency; Epidermolysis bullosa simplex, autosomal recessive 2. Identifiers: Orphanet 412181, MedGen C3809470, MONDO:0014180, OMIM 615425.

Allele frequency attached by ClinVar (database versions not stated): TOPMed below 0.00001; gnomAD 0.00001; gnomAD exomes 0.00002.
gnomAD v4.1: 12 of 1,605,300 alleles (0.00075%); highest among the groups gnomAD compares: Non-Finnish European, 0.001%; no homozygotes.

Submission:

Labcorp Genetics (formerly Invitae), Labcorp
Classification: Uncertain significance for Epidermolysis bullosa simplex 3, localized or generalized intermediate, with BP230 deficiency; Hereditary sensory and autonomic neuropathy type 6. Last evaluated: 2022-09-06. Review status: criteria provided, single submitter. Criteria: Invitae Variant Classification Sherloc (09022015). Collection method: clinical testing. Allele origin: germline.
Comment: This variant is not present in population databases (gnomAD no frequency). This sequence change replaces alanine, which is neutral and non-polar, with valine, which is neutral and non-polar, at codon 3966 of the DST protein (p.Ala3966Val). The DST gene has multiple clinically relevant transcripts. This variant occurs in alternate transcript NM_015548.4, and corresponds to NM_001723.5:c.*114307C>T in the primary transcript. This variant has not been reported in the literature in individuals affected with DST-related conditions. Experimental studies and prediction algorithms are not available or were not evaluated, and the functional significance of this variant is currently unknown. In summary, the available evidence is currently insufficient to determine the role of this variant in disease. Therefore, it has been classified as a Variant of Uncertain Significance.

NM_001374736.1(DST):c.19766C>T (p.Ala6589Val)

Gene: DST (dystonin; minus strand). Cytogenetic location: 6p12.1.
Variant type: single nucleotide variant.
Coding change: c.19766C>T on transcript NM_001374736.1 (MANE Select); coding-DNA position 19766, C replaced by T.
Protein change: p.Ala6589Val; replaces alanine 6589 with valine.
Molecular consequence: missense variant.
Genome position (GRCh38, 1-based): chr6:56,501,210, G>A on the plus strand (C>T on the coding strand, the complement: DST is on the minus strand). VCF-style: chr6-56501210-G-A. GRCh37 (hg19) VCF-style: chr6-56366008-G-A.
Other names: c.13409C>T, p.Ala4470Val (NM_001144769.5); c.12995C>T, p.Ala4332Val (NM_001144770.2); c.19766C>T, p.Ala6589Val (NM_001374722.1); c.18806C>T, p.Ala6269Val (NM_001374729.1); c.12548C>T, p.Ala4183Val (NM_001374730.1); c.19793C>T, p.Ala6598Val (NM_001374734.1); c.12875C>T, p.Ala4292Val (NM_001386100.1, NM_183380.4); c.11897C>T, p.Ala3966Val (NM_015548.5); short protein forms A4183V, A4292V, A3966V, A4332V, A6589V, A6269V, A6598V, A4470V.
Identifiers: ClinVar variation 2187745 (VCV002187745.4), dbSNP rs1398535855, ClinGen allele CA364520285.